The following is an entry in ClinVar:

GRCh38/hg38 16q23.3-24.2(chr16:83878992-87223838)x1

Genes: ADAD2 (adenosine deaminase domain containing 2; plus strand), ADAD2-AS1 (ADAD2 antisense RNA 1; minus strand), ATP2C2 (ATPase secretory pathway Ca2+ transporting 2; plus strand), ATP2C2-AS1 (ATP2C2 antisense RNA 1; minus strand), C16orf74 (chromosome 16 open reading frame 74; minus strand) and 226 more. Cytogenetic location: 16q23.3-24.2.
Variant type: copy number loss.
Change: copy number 1 (one copy instead of two) of chr16:83,878,992-87,223,838 (3.34 Mb, GRCh38 coordinates, 1-based), cytogenetic band 16q23.3-24.2.
Identifiers: ClinVar variation 57422 (VCV000057422.1).

ClinVar aggregate classification (germline): Pathogenic (1 of 4 stars; one submission).

Submission:

ISCA site 4
Classification: Pathogenic. Last evaluated: 2011-08-12. Review status: criteria provided, single submitter. Criteria: Kaminsky et al. (Genet Med. 2011). Collection method: clinical testing. Allele origin: unknown. Affected: yes. Observed: 1 variant allele.
Comment: Copy number variation identified through the course of routine clinical cytogenomic testing in postnatal populations. Clinical assertions have been curated as described in Kaminsky et al. 2011.